The following is an entry in ClinVar:

NM_001369.3(DNAH5):c.12812G>A (p.Trp4271Ter)

Gene: DNAH5 (dynein axonemal heavy chain 5; minus strand). Cytogenetic location: 5p15.2.
Variant type: single nucleotide variant.
Coding change: c.12812G>A on transcript NM_001369.3 (MANE Select); coding-DNA position 12812, G replaced by A.
Protein change: p.Trp4271Ter; replaces tryptophan 4271 with a stop codon.
Molecular consequence: nonsense.
Genome position (GRCh38, 1-based): chr5:13,716,584, C>T on the plus strand (G>A on the coding strand, the complement: DNAH5 is on the minus strand). VCF-style: chr5-13716584-C-T. GRCh37 (hg19) VCF-style: chr5-13716693-C-T.
Other names: short protein forms W4271*.
Identifiers: ClinVar variation 5013628 (VCV005013628.1).

ClinVar aggregate classification (germline): Pathogenic (1 of 4 stars; one submission).

Conditions:
Primary ciliary dyskinesia 3. Identifiers: Orphanet 244, MedGen C1837618, MONDO:0012085, OMIM 608644.

Submission:

Myriad Genetics, Inc.
Classification: Pathogenic for Primary ciliary dyskinesia 3. Last evaluated: 2024-10-09. Review status: criteria provided, single submitter. Criteria: Myriad Autosomal Dominant, Autosomal Recessive and X-Linked Classification Criteria (2023). Collection method: clinical testing. Allele origin: unknown.
Comment: NM_001369.2(DNAH5):c.12812G>A(W4271*) is expected to be pathogenic in the context of primary ciliary dyskinesia, DNAH5-related. This variant is predicted to lead to an abnormal or absent protein product due to the creation of a premature termination codon in DNAH5, a gene where loss-of-function variants are known to be pathogenic. Please note: this variant was assessed in the context of healthy population screening.